The following is an entry in ClinVar:

ClinVar aggregate classification (germline): Uncertain significance (1 of 4 stars; one submission).

Conditions:
Cardiovascular phenotype. Identifiers: MedGen CN230736.

Submission:

Ambry Genetics
Classification: Uncertain significance for Cardiovascular phenotype. Last evaluated: 2023-03-31. Review status: criteria provided, single submitter. Criteria: Ambry Variant Classification Scheme 2023. Collection method: clinical testing. Allele origin: germline.
Comment: The p.M1124L variant (also known as c.3370A>C), located in coding exon 29 of the ANK2 gene, results from an A to C substitution at nucleotide position 3370. The methionine at codon 1124 is replaced by leucine, an amino acid with highly similar properties. This amino acid position is well conserved in available vertebrate species. In addition, this alteration is predicted to be tolerated by in silico analysis. Since supporting evidence is limited at this time, the clinical significance of this alteration remains unclear.

NM_001148.6(ANK2):c.3370A>C (p.Met1124Leu)

Gene: ANK2 (ankyrin 2; plus strand). Cytogenetic location: 4q26.
Variant type: single nucleotide variant.
Coding change: c.3370A>C on transcript NM_001148.6 (MANE Select); coding-DNA position 3370, A replaced by C.
Protein change: p.Met1124Leu; replaces methionine 1124 with leucine.
Molecular consequence: missense variant.
Genome position (GRCh38, 1-based): chr4:113,333,199, A>C. VCF-style: chr4-113333199-A-C. GRCh37 (hg19) VCF-style: chr4-114254355-A-C.
Other names: c.3343A>C, p.Met1115Leu (NM_001127493.3); c.3382A>C, p.Met1128Leu (NM_001354225.2); c.3271A>C, p.Met1091Leu (NM_001354228.2, NM_001354258.2); c.3349A>C, p.Met1117Leu (NM_001354230.2); c.3412A>C, p.Met1138Leu (NM_001354231.2, NM_001354242.2); c.3406A>C, p.Met1136Leu (NM_001354232.2); c.3367A>C, p.Met1123Leu (NM_001354235.2, NM_001354246.2, NM_001354265.2); c.3268A>C, p.Met1090Leu (NM_001354236.2); and 28 more; short protein forms M1049L, M1081L, M1103L, M1139L, M1143L, M1171L, M312L, M963L.
Identifiers: ClinVar variation 2565287 (VCV002565287.2), dbSNP rs772670683, ClinGen allele CA357936459.
Genomic context (GRCh38, chr4:113,333,199, plus strand): 5'-AGCTGGAAAGAGCATTTCTGTGACTACACTGAAGATGAATTGAATGAAATTCTTAACGGC[A>C]TGGATGAAGGTACTTTCAGATGAAGCGTTTTAAAAGAAATCTAAACTGGAAGCATGAAAA-3'
Protein context (NP_001139.3, residues 1114-1134): EDELNEILNG[Met1124Leu]DEVLDSPEDL